The following is an entry in ClinVar:

ClinVar aggregate classification (germline): Uncertain significance (1 of 4 stars; one submission).

Submission:

Labcorp Genetics (formerly Invitae), Labcorp
Classification: Uncertain significance. Last evaluated: 2025-12-08. Review status: criteria provided, single submitter. Criteria: Invitae Variant Classification Sherloc (09022015). Collection method: clinical testing. Allele origin: germline.
Comment: This sequence change falls in intron 14 of the ANK3 gene. It does not directly change the encoded amino acid sequence of the ANK3 protein. This variant is not present in population databases (gnomAD no frequency). This variant has not been reported in the literature in individuals affected with ANK3-related conditions. ClinVar contains an entry for this variant (Variation ID: 3657581). Algorithms developed to predict the effect of sequence changes on RNA splicing suggest that this variant may create or strengthen a splice site. In summary, the available evidence is currently insufficient to determine the role of this variant in disease. Therefore, it has been classified as a Variant of Uncertain Significance.

NM_020987.5(ANK3):c.1690-5_1690-4insG

Gene: ANK3 (ankyrin 3; minus strand). Cytogenetic location: 10q21.2.
Variant type: Insertion.
Coding change: c.1690-5_1690-4insG on transcript NM_020987.5 (MANE Select); 5 bases into the intron before coding-DNA position 1690 through 4 bases into the intron before coding-DNA position 1690, G inserted.
Molecular consequence: intron variant.
Genome position: GRCh38 VCF-style: chr10-60196629-A-AC. GRCh37 (hg19) VCF-style: chr10-61956387-A-AC.
Other names: c.1672-5_1672-4insG (NM_001204403.2); c.1639-5_1639-4insG (NM_001204404.2); c.1690-5_1690-4insG (NM_001320874.2).
Identifiers: ClinVar variation 3657581 (VCV003657581.2).